The following is an entry in ClinVar:

NM_001048174.2(MUTYH):c.674C>G (p.Pro225Arg)

Gene: MUTYH (mutY DNA glycosylase; minus strand). Cytogenetic location: 1p34.1.
Variant type: single nucleotide variant.
Coding change: c.674C>G on transcript NM_001048174.2 (MANE Select); coding-DNA position 674, C replaced by G.
Protein change: p.Pro225Arg; replaces proline 225 with arginine.
Molecular consequence: missense variant. On other transcripts: non-coding transcript variant (2).
Genome position (GRCh38, 1-based): chr1:45,332,421, G>C on the plus strand (C>G on the coding strand, the complement: MUTYH is on the minus strand). VCF-style: chr1-45332421-G-C. GRCh37 (hg19) VCF-style: chr1-45798093-G-C.
Other names: c.674C>G, p.Pro225Arg (NM_001048171.2, NM_001048173.2, NM_001293195.2); c.677C>G, p.Pro226Arg (NM_001048172.2); c.758C>G, p.Pro253Arg (NM_001128425.2); c.719C>G, p.Pro240Arg (NM_001293190.2); c.707C>G, p.Pro236Arg (NM_001293191.2); c.398C>G, p.Pro133Arg (NM_001293192.2, NM_001293196.2); c.329C>G, p.Pro110Arg (NM_001350650.2, NM_001350651.2); c.749C>G, p.Pro250Arg (NM_012222.3); short protein forms P253R, P133R, P110R, P250R, P225R, P226R, P240R, P236R.
Identifiers: ClinVar variation 490039 (VCV000490039.15), dbSNP rs564919438, ClinGen allele CA058977.

ClinVar aggregate classification (germline): Conflicting classifications of pathogenicity. Review status: criteria provided, conflicting classifications (1 of 4 stars). 4 submissions from 4 submitters: Uncertain significance (3); Likely benign (1). Last evaluated 2026-01-28.

Conditions:
Hereditary cancer-predisposing syndrome. Also called: Hereditary neoplastic syndrome; Hereditary Cancer Syndrome; Neoplastic Syndromes, Hereditary; Tumor predisposition. Identifiers: Orphanet 140162, MedGen C0027672, MeSH D009386, MONDO:0015356.
Familial adenomatous polyposis 2. Also called: MYH-associated polyposis; COLORECTAL ADENOMATOUS POLYPOSIS, AUTOSOMAL RECESSIVE; ADENOMAS, MULTIPLE COLORECTAL, AUTOSOMAL RECESSIVE; MUTYH-related attenuated familial adenomatous polyposis; Adenomas, multiple colorectal; FAP type 2. Identifiers: Orphanet 220460, Orphanet 247798, MedGen C3272841, MONDO:0012041, OMIM 608456.

Allele frequency attached by ClinVar (database versions not stated): gnomAD exomes below 0.00001 and 0.00001; ExAC 0.00001; gnomAD 0.00001; 1000 Genomes Project 30x 0.00016; 1000 Genomes Project 0.00020.
gnomAD v4.1: 3 of 1,614,172 alleles (0.00019%); highest among the groups gnomAD compares: South Asian, 0.0033%; no homozygotes.

Submissions (4):

Labcorp Genetics (formerly Invitae), Labcorp
Classification: Uncertain significance for Familial adenomatous polyposis 2. Last evaluated: 2026-01-28. Review status: criteria provided, single submitter. Criteria: Invitae Variant Classification Sherloc (09022015). Collection method: clinical testing. Allele origin: germline.
Comment: This sequence change replaces proline, which is neutral and non-polar, with arginine, which is basic and polar, at codon 253 of the MUTYH protein (p.Pro253Arg). This variant is present in population databases (rs564919438, gnomAD 0.006%). This variant has not been reported in the literature in individuals affected with MUTYH-related conditions. ClinVar contains an entry for this variant (Variation ID: 490039). An algorithm developed to predict the effect of missense changes on protein structure and function (PolyPhen-2) suggests that this variant is likely to be disruptive. In summary, the available evidence is currently insufficient to determine the role of this variant in disease. Therefore, it has been classified as a Variant of Uncertain Significance.

Ambry Genetics
Classification: Likely benign for Hereditary cancer-predisposing syndrome. Last evaluated: 2025-09-16. Review status: criteria provided, single submitter. Criteria: Ambry Variant Classification Scheme 2023. Collection method: clinical testing. Allele origin: germline.

GeneDx
Classification: Uncertain significance. Last evaluated: 2020-03-30. Review status: criteria provided, single submitter. Criteria: GeneDx Variant Classification Process June 2021. Collection method: clinical testing. Allele origin: germline. Affected: yes.
Comment: In silico analysis supports that this missense variant has a deleterious effect on protein structure/function; Has not been previously published as pathogenic or benign to our knowledge

Color Diagnostics, LLC DBA Color Health
Classification: Uncertain significance for Hereditary cancer-predisposing syndrome. Last evaluated: 2019-06-29. Review status: criteria provided, single submitter. Criteria: ACMG Guidelines, 2015. Collection method: clinical testing. Allele origin: germline.